The following is an entry in ClinVar:

NM_013372.7(GREM1):c.551A>C (p.Asp184Ala)

Gene: GREM1 (gremlin 1, DAN family BMP antagonist; plus strand). Cytogenetic location: 15q13.3.
Variant type: single nucleotide variant.
Coding change: c.551A>C on transcript NM_013372.7 (MANE Select); coding-DNA position 551, A replaced by C.
Protein change: p.Asp184Ala; replaces aspartic acid 184 with alanine.
Molecular consequence: missense variant.
Genome position (GRCh38, 1-based): chr15:32,731,241, A>C. VCF-style: chr15-32731241-A-C. GRCh37 (hg19) VCF-style: chr15-33023442-A-C.
Other names: c.341A>C, p.Asp114Ala (NM_001191322.2); c.428A>C, p.Asp143Ala (NM_001191323.2); c.551A>C, p.Asp184Ala (NM_001368719.1); short protein forms D143A, D184A, D114A.
Identifiers: ClinVar variation 1748064 (VCV001748064.3), dbSNP rs767985360, ClinGen allele CA391558209.

ClinVar aggregate classification (germline): Uncertain significance (1 of 4 stars; one submission).

Conditions:
Hereditary cancer-predisposing syndrome. Also called: Hereditary Cancer Syndrome; Hereditary neoplastic syndrome; Neoplastic Syndromes, Hereditary; Tumor predisposition. Identifiers: Orphanet 140162, MedGen C0027672, MeSH D009386, MONDO:0015356.

Submission:

Ambry Genetics
Classification: Uncertain significance for Hereditary cancer-predisposing syndrome. Last evaluated: 2025-05-10. Review status: criteria provided, single submitter. Criteria: Ambry Variant Classification Scheme 2023. Collection method: clinical testing. Allele origin: germline.
Comment: The p.D184A variant (also known as c.551A>C), located in coding exon 1 of the GREM1 gene, results from an A to C substitution at nucleotide position 551. The aspartic acid at codon 184 is replaced by alanine, an amino acid with dissimilar properties. This amino acid position is conserved. In addition, the in silico prediction for this alteration is inconclusive. Since supporting evidence is limited at this time, the clinical significance of this alteration remains unclear.